The following is an entry in ClinVar:

ClinVar aggregate classification (germline): Uncertain significance (3 of 4 stars; one submission).

Conditions:
Monogenic diabetes. Identifiers: Orphanet 183625, MedGen C3888631, MONDO:0015967.

gnomAD v4.1: 1 of 1,614,214 alleles (0.000062%); highest among the groups gnomAD compares: Non-Finnish European, 0.000085%; no homozygotes.

Submission:

ClinGen Monogenic Diabetes Variant Curation Expert Panel
Classification: Uncertain significance for Monogenic diabetes. Last evaluated: 2024-10-13. Review status: reviewed by expert panel. Criteria: ClinGen Diabetes ACMG Specifications HNF1A V2.1.0. Collection method: curation. Allele origin: germline. Inheritance: Autosomal dominant inheritance.
Comment: The c.450G>T variant in the HNF1 homeobox A gene, HNF1A, causes an amino acid change of lysine to asparagine at codon 150 (p.(Lys150Asn)) of NM_000545.8. This variant is located within a conserved region of the DNA binding domain (codons 107-174 and 201-280) of HNF1A, which is defined as critical for the protein’s function by the ClinGen MDEP (PM1_Supporting). Additonally, this variant is predicted to be deleterious by computational evidence, with a REVEL score of 0.883, which is greater than the MDEP VCEP threshold of 0.70 (PP3). This variant is absent from gnomAD from gnomAD v2.1.1 (PM2_Supporting). This variant was identified in two unrelated individuals with non-autoimmune and non-absolute/near-absolute insulin-deficient diabetes; however, PS4_Moderate cannot be applied because this number is below the ClinGen MDEP threshold (PMID: 16917892, 22432108)). In one of these families, this variant segregated with diabetes with two informative meioses; however, this does not meet the thresholds for PP1 set by the ClinGen MDEP (PMID: 22432108). Another missense variant at this residue, p.(Lys150Glu) has been classified as a VUS by the ClinGen MDEP; therefore, PM5 will not be applied. Additionally, another nucleotide change at this location resulting in the same amino acid change, c.450G>C p.(Lys150Asn), has been classified as a VUS by the ClinGen MDEP; therefore, PS1 will not be applied. In summary, c.450G>T meets the criteria to be classified as a variant of uncertain significance for monogenic diabetes. ACMG/AMP criteria applied, as specified by the ClinGen MDEP VCEP (specification version 2.1.1, approved 8/11/2023): PM1_Supporting, PP3, PM2_Supporting.

NM_000545.8(HNF1A):c.450G>T (p.Lys150Asn)

Gene: HNF1A (HNF1 homeobox A; plus strand). Cytogenetic location: 12q24.31.
Variant type: single nucleotide variant.
Coding change: c.450G>T on transcript NM_000545.8 (MANE Select); coding-DNA position 450, G replaced by T.
Protein change: p.Lys150Asn; replaces lysine 150 with asparagine.
Molecular consequence: missense variant.
Genome position (GRCh38, 1-based): chr12:120,988,956, G>T. VCF-style: chr12-120988956-G-T. GRCh37 (hg19) VCF-style: chr12-121426759-G-T.
Other names: NM_001306179.2:c.450G>T; c.450G>T, p.Lys150Asn (NM_001306179.2, NM_001406915.1); short protein forms K150N.
Identifiers: ClinVar variation 3370449 (VCV003370449.1).